The following is an entry in ClinVar:

NM_006206.6(PDGFRA):c.814G>C (p.Val272Leu)

Gene: PDGFRA (platelet derived growth factor receptor alpha; plus strand). Cytogenetic location: 4q12.
Variant type: single nucleotide variant.
Coding change: c.814G>C on transcript NM_006206.6 (MANE Select); coding-DNA position 814, G replaced by C.
Protein change: p.Val272Leu; replaces valine 272 with leucine.
Molecular consequence: missense variant.
Genome position (GRCh38, 1-based): chr4:54,267,343, G>C. VCF-style: chr4-54267343-G-C. GRCh37 (hg19) VCF-style: chr4-55133510-G-C.
Other names: c.814G>C, p.Val272Leu (NM_001347827.2, NM_001347829.2); c.889G>C, p.Val297Leu (NM_001347828.2); c.853G>C, p.Val285Leu (NM_001347830.2); short protein forms V272L, V297L, V285L.
Identifiers: ClinVar variation 5026425 (VCV005026425.1).

ClinVar aggregate classification (germline): Uncertain significance (1 of 4 stars; one submission).

Conditions:
Hereditary cancer-predisposing syndrome. Also called: Neoplastic Syndromes, Hereditary; Tumor predisposition; Hereditary neoplastic syndrome; Hereditary Cancer Syndrome. Identifiers: Orphanet 140162, MedGen C0027672, MeSH D009386, MONDO:0015356.

Submission:

Ambry Genetics
Classification: Uncertain significance for Hereditary cancer-predisposing syndrome. Last evaluated: 2026-07-07. Review status: criteria provided, single submitter. Criteria: Ambry Variant Classification Scheme 2023. Collection method: clinical testing. Allele origin: germline.
Comment: The p.V272L variant (also known as c.814G>C), located in coding exon 5 of the PDGFRA gene, results from a G to C substitution at nucleotide position 814. The valine at codon 272 is replaced by leucine, an amino acid with highly similar properties. This amino acid position is conserved. In addition, this alteration is predicted to be tolerated by in silico analysis. Based on the available evidence, the clinical significance of this variant remains unclear.